The following is an entry in ClinVar:

NM_004304.5(ALK):c.362G>A (p.Arg121Gln)

Gene: ALK (ALK receptor tyrosine kinase; minus strand). Cytogenetic location: 2p23.1.
Variant type: single nucleotide variant.
Coding change: c.362G>A on transcript NM_004304.5 (MANE Select); coding-DNA position 362, G replaced by A.
Protein change: p.Arg121Gln; replaces arginine 121 with glutamine.
Molecular consequence: missense variant.
Genome position (GRCh38, 1-based): chr2:29,920,298, C>T on the plus strand (G>A on the coding strand, the complement: ALK is on the minus strand). VCF-style: chr2-29920298-C-T. GRCh37 (hg19) VCF-style: chr2-30143164-C-T.
Other names: short protein forms R121Q.
Identifiers: ClinVar variation 834951 (VCV000834951.14), dbSNP rs779147984, ClinGen allele CA346590188.

ClinVar aggregate classification (germline): Conflicting classifications of pathogenicity. Review status: criteria provided, conflicting classifications (1 of 4 stars). 2 submissions from 2 submitters: Uncertain significance (1); Likely benign (1). Last evaluated 2025-07-09.

Conditions:
Neuroblastoma, susceptibility to, 3. Also called: ALK-Related Neuroblastic Tumor Susceptibility. Identifiers: Orphanet 635, MedGen C2751681, MONDO:0013083, OMIM 613014.
Hereditary cancer-predisposing syndrome. Also called: Neoplastic Syndromes, Hereditary; Hereditary neoplastic syndrome; Tumor predisposition; Hereditary Cancer Syndrome. Identifiers: Orphanet 140162, MedGen C0027672, MeSH D009386, MONDO:0015356.

Allele frequency attached by ClinVar (database versions not stated): gnomAD exomes below 0.00001 and 0.00001; TOPMed below 0.00001.
gnomAD v4.1: 4 of 1,565,656 alleles (0.00026%); highest among the groups gnomAD compares: African/African-American, 0.0027%; no homozygotes.

Submissions (2):

Ambry Genetics
Classification: Likely benign for Hereditary cancer-predisposing syndrome. Last evaluated: 2025-07-09. Review status: criteria provided, single submitter. Criteria: Ambry Variant Classification Scheme 2023. Collection method: clinical testing. Allele origin: germline.

Labcorp Genetics (formerly Invitae), Labcorp
Classification: Uncertain significance for Neuroblastoma, susceptibility to, 3. Last evaluated: 2025-05-11. Review status: criteria provided, single submitter. Criteria: Invitae Variant Classification Sherloc (09022015). Collection method: clinical testing. Allele origin: germline.
Comment: This sequence change replaces arginine, which is basic and polar, with glutamine, which is neutral and polar, at codon 121 of the ALK protein (p.Arg121Gln). The frequency data for this variant in the population databases is considered unreliable, as metrics indicate poor data quality at this position in the gnomAD database. This variant has not been reported in the literature in individuals affected with ALK-related conditions. ClinVar contains an entry for this variant (Variation ID: 834951). An algorithm developed to predict the effect of missense changes on protein structure and function outputs the following: PolyPhen-2: "Benign". The glutamine amino acid residue is found in multiple mammalian species, which suggests that this missense change does not adversely affect protein function. In summary, the available evidence is currently insufficient to determine the role of this variant in disease. Therefore, it has been classified as a Variant of Uncertain Significance.